The following is an entry in ClinVar:

NM_004612.4(TGFBR1):c.1141C>T (p.Pro381Ser)

Gene: TGFBR1 (transforming growth factor beta receptor 1; plus strand). Cytogenetic location: 9q22.33.
Variant type: single nucleotide variant.
Coding change: c.1141C>T on transcript NM_004612.4 (MANE Select); coding-DNA position 1141, C replaced by T.
Protein change: p.Pro381Ser; replaces proline 381 with serine.
Molecular consequence: missense variant.
Genome position (GRCh38, 1-based): chr9:99,146,495, C>T. VCF-style: chr9-99146495-C-T. GRCh37 (hg19) VCF-style: chr9-101908777-C-T.
Other names: c.910C>T, p.Pro304Ser (NM_001130916.3); c.1153C>T, p.Pro385Ser (NM_001306210.2); short protein forms P381S, P385S, P304S.
Identifiers: ClinVar variation 543892 (VCV000543892.20), dbSNP rs760555508, ClinGen allele CA044182.

ClinVar aggregate classification (germline): Conflicting classifications of pathogenicity. Review status: criteria provided, conflicting classifications (1 of 4 stars). 6 submissions from 6 submitters: Uncertain significance (4); Likely benign (2). Last evaluated 2025-06-12.

Conditions:
Loeys-Dietz syndrome (LDS). Identifiers: Orphanet 60030, MedGen C2697932, MONDO:0018954.
Familial thoracic aortic aneurysm and aortic dissection (TAAD). Also called: Thoracic aortic aneurysms and dissections. Identifiers: Orphanet 91387, MedGen C4707243, MONDO:0019625.

Allele frequency attached by ClinVar (database versions not stated): gnomAD 0.00001; gnomAD exomes 0.00003 and 0.00006; ExAC 0.00007.
gnomAD v4.1: 53 of 1,613,642 alleles (0.0033%); highest among the groups gnomAD compares: South Asian, 0.048%; no homozygotes.

Submissions (6):

Ambry Genetics
Classification: Uncertain significance for Familial thoracic aortic aneurysm and aortic dissection. Last evaluated: 2025-06-12. Review status: criteria provided, single submitter. Criteria: Ambry Variant Classification Scheme 2023. Collection method: clinical testing. Allele origin: germline.
Comment: The p.P381S variant (also known as c.1141C>T), located in coding exon 7 of the TGFBR1 gene, results from a C to T substitution at nucleotide position 1141. The proline at codon 381 is replaced by serine, an amino acid with similar properties. This amino acid position is highly conserved in available vertebrate species. In addition, this alteration is predicted to be deleterious by in silico analysis. Based on the available evidence, the clinical significance of this variant remains unclear.

Color Diagnostics, LLC DBA Color Health
Classification: Likely benign for Familial thoracic aortic aneurysm and aortic dissection. Last evaluated: 2024-11-25. Review status: criteria provided, single submitter. Criteria: ACMG Guidelines, 2015. Collection method: clinical testing. Allele origin: germline.

Labcorp Genetics (formerly Invitae), Labcorp
Classification: Uncertain significance for Familial thoracic aortic aneurysm and aortic dissection. Last evaluated: 2024-10-22. Review status: criteria provided, single submitter. Criteria: Invitae Variant Classification Sherloc (09022015). Collection method: clinical testing. Allele origin: germline.
Comment: This sequence change replaces proline, which is neutral and non-polar, with serine, which is neutral and polar, at codon 381 of the TGFBR1 protein (p.Pro381Ser). This variant is present in population databases (rs760555508, gnomAD 0.04%), and has an allele count higher than expected for a pathogenic variant. This variant has not been reported in the literature in individuals affected with TGFBR1-related conditions. ClinVar contains an entry for this variant (Variation ID: 543892). Invitae Evidence Modeling of protein sequence and biophysical properties (such as structural, functional, and spatial information, amino acid conservation, physicochemical variation, residue mobility, and thermodynamic stability) indicates that this missense variant is expected to disrupt TGFBR1 protein function with a positive predictive value of 80%. In summary, the available evidence is currently insufficient to determine the role of this variant in disease. Therefore, it has been classified as a Variant of Uncertain Significance.

All of Us Research Program, National Institutes of Health
Classification: Uncertain significance for Loeys-Dietz syndrome. Last evaluated: 2024-09-23. Review status: criteria provided, single submitter. Criteria: ACMG Guidelines, 2015. Collection method: clinical testing. Allele origin: germline. Inheritance: Autosomal dominant inheritance. Observed: 4 variant alleles, 4 heterozygotes.
Comment: This variant is located in the TGFBR1 protein. Computational prediction suggests that this variant may have deleterious impact on protein structure and function (internally defined REVEL score threshold >= 0.7, PMID: 27666373). To our knowledge, functional studies have not been reported for this variant. This variant has not been reported in individuals affected with cardiovascular disorders in the literature. This variant has been identified in 15/251234 chromosomes in the general population by the Genome Aggregation Database (gnomAD). The available evidence is insufficient to determine the role of this variant in disease conclusively. Therefore, this variant is classified as a Variant of Uncertain Significance.

This study involves interpretation of variants in research participants for the purpose of population health screening. Participant phenotype was not available at the time of variant classification. Additional details can be found in publication PMID: 35346344, PMCID: PMC8962531

GeneDx
Classification: Uncertain significance. Last evaluated: 2024-07-17. Review status: criteria provided, single submitter. Criteria: GeneDx Variant Classification Process June 2021. Collection method: clinical testing. Allele origin: germline. Affected: yes.
Comment: Has not been previously published as pathogenic or benign to our knowledge; In silico analysis supports that this missense variant has a deleterious effect on protein structure/function

Women's Health and Genetics/Laboratory Corporation of America, LabCorp
Classification: Likely benign. Last evaluated: 2017-09-20. Review status: criteria provided, single submitter. Criteria: LabCorp Variant Classification Summary - May 2015. Collection method: clinical testing. Allele origin: germline.
Comment: Variant summary: The TGFBR1 c.1141C>T (p.Pro381Ser) variant causes a missense change involving the alteration of a conserved nucleotide. 5/5 in silico tools predict a damaging outcome for this variant. The variant was found in the control population dataset of gnomAD in 14/245990 control chromosomes at a frequency of 0.0000569, which is approximately 30 times the estimated maximal expected allele frequency of a pathogenic TGFBR1 variant (0.0000019), suggesting this variant is likely a benign polymorphism. The variant of interest has not, to our knowledge, been reported in affected individuals via publications and/or reputable databases/clinical diagnostic laboratories; nor evaluated for functional impact by in vivo/vitro studies. Taken together, this variant is classified as likely benign.